The following is an entry in ClinVar:

NM_000878.5(IL2RB):c.1598C>T (p.Thr533Ile)

Gene: IL2RB (interleukin 2 receptor subunit beta; minus strand). Cytogenetic location: 22q12.3.
Variant type: single nucleotide variant.
Coding change: c.1598C>T on transcript NM_000878.5 (MANE Select); coding-DNA position 1598, C replaced by T.
Protein change: p.Thr533Ile; replaces threonine 533 with isoleucine.
Molecular consequence: missense variant.
Genome position (GRCh38, 1-based): chr22:37,128,154, G>A on the plus strand (C>T on the coding strand, the complement: IL2RB is on the minus strand). VCF-style: chr22-37128154-G-A. GRCh37 (hg19) VCF-style: chr22-37524194-G-A.
Other names: c.1598C>T, p.Thr533Ile (NM_001346222.1, NM_001346223.2); short protein forms T533I.
Identifiers: ClinVar variation 2100100 (VCV002100100.4), dbSNP rs2517832302, ClinGen allele CA411423411.

ClinVar aggregate classification (germline): Uncertain significance (1 of 4 stars; one submission).

Submission:

Labcorp Genetics (formerly Invitae), Labcorp
Classification: Uncertain significance. Last evaluated: 2022-06-09. Review status: criteria provided, single submitter. Criteria: Invitae Variant Classification Sherloc (09022015). Collection method: clinical testing. Allele origin: germline.
Comment: This sequence change replaces threonine, which is neutral and polar, with isoleucine, which is neutral and non-polar, at codon 533 of the IL2RB protein (p.Thr533Ile). This variant is not present in population databases (gnomAD no frequency). This variant has not been reported in the literature in individuals affected with IL2RB-related conditions. Algorithms developed to predict the effect of missense changes on protein structure and function are either unavailable or do not agree on the potential impact of this missense change (SIFT: "Tolerated"; PolyPhen-2: "Possibly Damaging"; Align-GVGD: "Class C0"). In summary, the available evidence is currently insufficient to determine the role of this variant in disease. Therefore, it has been classified as a Variant of Uncertain Significance.